The following is an entry in ClinVar:

NM_014444.5(TUBGCP4):c.532G>A (p.Val178Ile)

Gene: TUBGCP4 (tubulin gamma complex component 4; plus strand). Cytogenetic location: 15q15.3.
Variant type: single nucleotide variant.
Coding change: c.532G>A on transcript NM_014444.5 (MANE Select); coding-DNA position 532, G replaced by A.
Protein change: p.Val178Ile; replaces valine 178 with isoleucine.
Molecular consequence: missense variant.
Genome position (GRCh38, 1-based): chr15:43,383,313, G>A. VCF-style: chr15-43383313-G-A. GRCh37 (hg19) VCF-style: chr15-43675511-G-A.
Other names: c.532G>A, p.Val178Ile (NM_001286414.3); short protein forms V178I.
Identifiers: ClinVar variation 1467261 (VCV001467261.3), dbSNP rs772404507, ClinGen allele CA7523819.

ClinVar aggregate classification (germline): Uncertain significance (1 of 4 stars; one submission).

Allele frequency attached by ClinVar (database versions not stated): gnomAD 0.00001; gnomAD exomes 0.00001 and 0.00004; TOPMed 0.00001; ExAC 0.00002.
gnomAD v4.1: 18 of 1,612,276 alleles (0.0011%); highest among the groups gnomAD compares: Admixed American, 0.018%; no homozygotes.

Submission:

Labcorp Genetics (formerly Invitae), Labcorp
Classification: Uncertain significance. Last evaluated: 2022-08-05. Review status: criteria provided, single submitter. Criteria: Invitae Variant Classification Sherloc (09022015). Collection method: clinical testing. Allele origin: germline.
Comment: This sequence change replaces valine, which is neutral and non-polar, with isoleucine, which is neutral and non-polar, at codon 178 of the TUBGCP4 protein (p.Val178Ile). This variant is present in population databases (rs772404507, gnomAD 0.03%). This variant has not been reported in the literature in individuals affected with TUBGCP4-related conditions. ClinVar contains an entry for this variant (Variation ID: 1467261). Algorithms developed to predict the effect of missense changes on protein structure and function (SIFT, PolyPhen-2, Align-GVGD) all suggest that this variant is likely to be tolerated. In summary, the available evidence is currently insufficient to determine the role of this variant in disease. Therefore, it has been classified as a Variant of Uncertain Significance.